The following is an entry in ClinVar:

NM_001267550.2(TTN):c.13697_13701del (p.Gln4566fs)

Gene: TTN (titin; minus strand). Cytogenetic location: 2q31.2.
Variant type: Deletion.
Coding change: c.13697_13701del on transcript NM_001267550.2 (MANE Select); coding-DNA positions 13697 to 13701, 5 bases deleted (AAGAT; older notation c.13697_13701delAAGAT).
Protein change: p.Gln4566fs; shifts the reading frame from glutamine 4566.
Molecular consequence: frameshift variant. On other transcripts: intron variant (1).
Genome position (GRCh38, 1-based): chr2:178,739,532-178,739,536, ATCTT deleted on the plus strand (AAGAT on the coding strand, the reverse complement: TTN is on the minus strand). VCF-style (leftmost placement, unchanged base first): chr2-178739531-CATCTT-C. GRCh37 (hg19) VCF-style: chr2-179604258-CATCTT-C.
Other names: c.12746_12750del, p.Gln4249fs (NM_001256850.1); c.12608_12612del, p.Gln4203fs (NM_003319.4); c.12983_12987del, p.Gln4328fs (NM_133432.3); c.13184_13188del, p.Gln4395fs (NM_133437.4); c.10361-1176_10361-1172del (NM_133378.4); c.12608_12612delAAGAT (NM_003319.4); short protein forms Q4203fs, Q4395fs, Q4328fs, Q4566fs, Q4249fs.
Identifiers: ClinVar variation 2586518 (VCV002586518.2), dbSNP rs2530609590, ClinGen allele CA2582342048.

ClinVar aggregate classification (germline): Likely pathogenic (1 of 4 stars; one submission).

Conditions:
Cardiovascular phenotype. Identifiers: MedGen CN230736.

Submission:

Ambry Genetics
Classification: Likely pathogenic for Cardiovascular phenotype. Last evaluated: 2023-07-03. Review status: criteria provided, single submitter. Criteria: Ambry Variant Classification Scheme 2023. Collection method: clinical testing. Allele origin: germline.
Comment: The c.12608_12612delAAGAT variant, located in coding exon 44 of the TTN gene, results from a deletion of 5 nucleotides at nucleotide positions 12608 to 12612, causing a translational frameshift with a predicted alternate stop codon (p.Q4203Rfs*15). This exon is located in the I-band region of the N2-B isoform of the titin protein and is constitutively expressed in TTN transcripts (percent spliced in or PSI 100%). This variant is considered to be rare based on population cohorts in the Genome Aggregation Database (gnomAD). This alteration is expected to result in loss of function by premature protein truncation or nonsense-mediated mRNA decay. While truncating variants in TTN are present in 1-3% of the general population, truncating variants in the A-band are the most common cause of dilated cardiomyopathy (DCM) (Herman DS et al. N. Engl. J. Med., 2012 Feb;366:619-28; Roberts AM et al. Sci Transl Med, 2015 Jan;7:270ra6). TTN truncating variants encoded in constitutive exons (PSI >90%) have been found to be significantly associated with DCM regardless of their position in titin (Schafer S et al. Nat. Genet., 2017 01;49:46-53). Based on the majority of available evidence to date, this variant is likely to be pathogenic.